The following is an entry in ClinVar:

ClinVar aggregate classification (germline): Uncertain significance. Review status: criteria provided, multiple submitters, no conflicts (2 of 4 stars). 2 submissions from 2 submitters: Uncertain significance (2). Last evaluated 2025-03-25.

Conditions:
TFG-related disorder. Also called: TFG-related condition; TFG-related disorders.

Submissions (2):

PreventionGenetics, part of Exact Sciences
Classification: Uncertain significance for TFG-related condition. Last evaluated: 2025-03-25. Review status: criteria provided, single submitter. Criteria: ACMG Guidelines, 2015. Collection method: clinical testing. Allele origin: germline.
Comment: The TFG c.145C>A variant is predicted to result in the amino acid substitution p.Leu49Met. To our knowledge, this variant has not been reported in the literature or in a large population database (gnomAD), indicating this variant is rare. At this time, the clinical significance of this variant is uncertain due to the absence of conclusive functional and genetic evidence.

ARUP Laboratories, Molecular Genetics and Genomics, ARUP Laboratories
Classification: Uncertain significance. Last evaluated: 2025-01-30. Review status: criteria provided, single submitter. Criteria: ARUP Molecular Germline Variant Investigation Process 2024. Collection method: clinical testing. Allele origin: germline.
Comment: The TFG c.145C>A; p.Leu49Met variant, to our knowledge, is not reported in the medical literature but is reported in ClinVar (Variation ID: 2635406). This variant is also absent from the Genome Aggregation Database (v2.1.1), indicating it is not a common polymorphism. Computational analyses predict that this variant is neutral (REVEL: 0.141). Due to limited information, the clinical significance of this variant is uncertain at this time.

NM_006070.6(TFG):c.145C>A (p.Leu49Met)

Gene: TFG (trafficking from ER to golgi regulator; plus strand). Cytogenetic location: 3q12.2.
Variant type: single nucleotide variant.
Coding change: c.145C>A on transcript NM_006070.6 (MANE Select); coding-DNA position 145, C replaced by A.
Protein change: p.Leu49Met; replaces leucine 49 with methionine.
Molecular consequence: missense variant.
Genome position (GRCh38, 1-based): chr3:100,713,830, C>A. VCF-style: chr3-100713830-C-A. GRCh37 (hg19) VCF-style: chr3-100432674-C-A.
Other names: c.145C>A, p.Leu49Met (NM_001007565.2, NM_001195478.2, NM_001195479.2); short protein forms L49M.
Identifiers: ClinVar variation 2635406 (VCV002635406.3), dbSNP rs2472057284, ClinGen allele CA353837140.